The following is an entry in ClinVar:

NM_016247.4(IMPG2):c.1908T>G (p.Asp636Glu)

Gene: IMPG2 (interphotoreceptor matrix proteoglycan 2; minus strand). Cytogenetic location: 3q12.3.
Variant type: single nucleotide variant.
Coding change: c.1908T>G on transcript NM_016247.4 (MANE Select); coding-DNA position 1908, T replaced by G.
Protein change: p.Asp636Glu; replaces aspartic acid 636 with glutamic acid.
Molecular consequence: missense variant.
Genome position (GRCh38, 1-based): chr3:101,244,423, A>C on the plus strand (T>G on the coding strand, the complement: IMPG2 is on the minus strand). VCF-style: chr3-101244423-A-C. GRCh37 (hg19) VCF-style: chr3-100963267-A-C.
Other names: short protein forms D636E.
Identifiers: ClinVar variation 1476131 (VCV001476131.8), dbSNP rs35648234, ClinGen allele CA353859677.

ClinVar aggregate classification (germline): Uncertain significance (1 of 4 stars; one submission).

gnomAD v4.1: 1 of 1,614,172 alleles (0.000062%); highest among the groups gnomAD compares: Non-Finnish European, 0.000085%; no homozygotes.

Submission:

Labcorp Genetics (formerly Invitae), Labcorp
Classification: Uncertain significance. Last evaluated: 2020-11-17. Review status: criteria provided, single submitter. Criteria: Invitae Variant Classification Sherloc (09022015). Collection method: clinical testing. Allele origin: germline.
Comment: This sequence change replaces aspartic acid with glutamic acid at codon 636 of the IMPG2 protein (p.Asp636Glu). The aspartic acid residue is weakly conserved and there is a small physicochemical difference between aspartic acid and glutamic acid. This variant is not present in population databases (ExAC no frequency). This variant has not been reported in the literature in individuals with IMPG2-related conditions. Algorithms developed to predict the effect of missense changes on protein structure and function output the following: SIFT: "Tolerated"; PolyPhen-2: "Benign"; Align-GVGD: "Class C0". The glutamic acid amino acid residue is found in multiple mammalian species, suggesting that this missense change does not adversely affect protein function. These predictions have not been confirmed by published functional studies and their clinical significance is uncertain. In summary, the available evidence is currently insufficient to determine the role of this variant in disease. Therefore, it has been classified as a Variant of Uncertain Significance.